The following is an entry in ClinVar:

NM_000257.4(MYH7):c.3755T>G (p.Leu1252Trp)

Gene: MYH7 (myosin heavy chain 7; minus strand). Cytogenetic location: 14q11.2.
Variant type: single nucleotide variant.
Coding change: c.3755T>G on transcript NM_000257.4 (MANE Select); coding-DNA position 3755, T replaced by G.
Protein change: p.Leu1252Trp; replaces leucine 1252 with tryptophan.
Molecular consequence: missense variant.
Genome position (GRCh38, 1-based): chr14:23,419,581, A>C on the plus strand (T>G on the coding strand, the complement: MYH7 is on the minus strand). VCF-style: chr14-23419581-A-C. GRCh37 (hg19) VCF-style: chr14-23888790-A-C.
Other names: c.3755T>G, p.Leu1252Trp (NM_001407004.1); short protein forms L1252W.
Identifiers: ClinVar variation 3071938 (VCV003071938.1), dbSNP rs1320289690, ClinGen allele CA389042752.

ClinVar aggregate classification (germline): Uncertain significance (1 of 4 stars; one submission).

Conditions:
Cardiomyopathy (CMYO). Also called: Cardiomyopathies. Identifiers: Orphanet 167848, MedGen C0878544, MONDO:0004994, HP:0001638. Inheritance: Various modes of inheritance.

Submission:

All of Us Research Program, National Institutes of Health
Classification: Uncertain significance for Cardiomyopathy. Last evaluated: 2023-06-26. Review status: criteria provided, single submitter. Criteria: ACMG Guidelines, 2015. Collection method: clinical testing. Allele origin: germline. Inheritance: Autosomal dominant inheritance. Observed: 1 variant allele, 1 heterozygote.
Comment: This missense variant replaces leucine with tryptophan at codon 1252 of the MYH7 protein. Computational prediction suggests that this variant may have deleterious impact on protein structure and function (internally defined REVEL score threshold >= 0.7, PMID: 27666373). To our knowledge, functional studies have not been reported for this variant. This variant has not been reported in individuals affected with MYH7-related disorders in the literature. This variant has not been identified in the general population by the Genome Aggregation Database (gnomAD). The available evidence is insufficient to determine the role of this variant in disease conclusively. Therefore, this variant is classified as a Variant of Uncertain Significance.

This study involves interpretation of variants in research participants for the purpose of population health screening. Participant phenotype was not available at the time of variant classification. Additional details can be found in publication PMID: 35346344, PMCID: PMC8962531